The following is an entry in ClinVar:

ClinVar aggregate classification (germline): Likely pathogenic. Review status: criteria provided, multiple submitters, no conflicts (2 of 4 stars). 2 submissions from 2 submitters: Likely pathogenic (2). Last evaluated 2024-10-08.

Conditions:
RAB3GAP2-related disorder. Also called: RAB3GAP2-related disorders; RAB3GAP2-related condition.
Martsolf syndrome 1. Identifiers: Orphanet 1387, MedGen C5542298, MONDO:8000008, OMIM 212720.

Allele frequency attached by ClinVar (database versions not stated): gnomAD exomes 0.00001.
gnomAD v4.1: 9 of 1,613,206 alleles (0.00056%); highest among the groups gnomAD compares: Non-Finnish European, 0.00068%; no homozygotes.

Submissions (2):

UAEU Genomics Laboratory, United Arab Emirates University
Classification: Likely pathogenic for Martsolf syndrome 1. Last evaluated: 2024-10-08. Review status: criteria provided, single submitter. Criteria: ACMG Guidelines, 2015. Collection method: research. Allele origin: germline. Affected: yes. Observed: 1 variant allele.
Comment: PM2, PVS1

Women's Health and Genetics/Laboratory Corporation of America, LabCorp
Classification: Likely pathogenic for RAB3GAP2-Related Disorders. Last evaluated: 2022-10-03. Review status: criteria provided, single submitter. Criteria: LabCorp Variant Classification Summary - May 2015. Collection method: clinical testing. Allele origin: germline.
Comment: Variant summary: RAB3GAP2 c.2095C>T (p.Arg699X) results in a premature termination codon, predicted to cause a truncation of the encoded protein or absence of the protein due to nonsense mediated decay, which are commonly known mechanisms for disease. Truncations downstream of this position have been reported in HGMD in association with Warburg Micro syndrome and Martsolf syndrome. The variant was absent in 251174 control chromosomes. To our knowledge, no occurrence of c.2095C>T in individuals affected with RAB3GAP2-Related Disorders and no experimental evidence demonstrating its impact on protein function have been reported. No clinical diagnostic laboratories have submitted clinical-significance assessments for this variant to ClinVar after 2014. Based on the evidence outlined above, the variant was classified as likely pathogenic.

NM_012414.4(RAB3GAP2):c.2095C>T (p.Arg699Ter)

Gene: RAB3GAP2 (RAB3 GTPase activating non-catalytic protein subunit 2; minus strand). Cytogenetic location: 1q41.
Variant type: single nucleotide variant.
Coding change: c.2095C>T on transcript NM_012414.4 (MANE Select); coding-DNA position 2095, C replaced by T.
Protein change: p.Arg699Ter; replaces arginine 699 with a stop codon.
Molecular consequence: nonsense.
Genome position (GRCh38, 1-based): chr1:220,182,835, G>A on the plus strand (C>T on the coding strand, the complement: RAB3GAP2 is on the minus strand). VCF-style: chr1-220182835-G-A. GRCh37 (hg19) VCF-style: chr1-220356177-G-A.
Other names: short protein forms R699*.
Identifiers: ClinVar variation 1723391 (VCV001723391.2), dbSNP rs1658437185, ClinGen allele CA344642694.